The following is an entry in ClinVar:

NM_000135.4(FANCA):c.146G>T (p.Arg49Leu)

Gene: FANCA (FA complementation group A; minus strand). Cytogenetic location: 16q24.3.
Variant type: single nucleotide variant.
Coding change: c.146G>T on transcript NM_000135.4 (MANE Select); coding-DNA position 146, G replaced by T.
Protein change: p.Arg49Leu; replaces arginine 49 with leucine.
Molecular consequence: missense variant.
Genome position (GRCh38, 1-based): chr16:89,815,920, C>A on the plus strand (G>T on the coding strand, the complement: FANCA is on the minus strand). VCF-style: chr16-89815920-C-A. GRCh37 (hg19) VCF-style: chr16-89882328-C-A.
Other names: c.146G>T, p.Arg49Leu (NM_001018112.3, NM_001286167.3, NM_001351830.2); short protein forms R49L.
Identifiers: ClinVar variation 4843038 (VCV004843038.1).

ClinVar aggregate classification (germline): Uncertain significance (1 of 4 stars; one submission).

Conditions:
Inborn genetic diseases. Identifiers: MedGen C0950123, MeSH D030342.

Submission:

Ambry Genetics
Classification: Uncertain significance for Inborn genetic diseases. Last evaluated: 2026-01-11. Review status: criteria provided, single submitter. Criteria: Ambry Variant Classification Scheme 2023. Collection method: clinical testing. Allele origin: germline.
Comment: The p.R49L variant (also known as c.146G>T), located in coding exon 2 of the FANCA gene, results from a G to T substitution at nucleotide position 146. The arginine at codon 49 is replaced by leucine, an amino acid with dissimilar properties. This amino acid position is conserved. In addition, this alteration is predicted to be tolerated by in silico analysis. Based on the available evidence, the clinical significance of this variant remains unclear.